The following is an entry in ClinVar:

NM_199420.4(POLQ):c.7157G>T (p.Cys2386Phe)

Gene: POLQ (DNA polymerase theta; minus strand). Cytogenetic location: 3q13.33.
Variant type: single nucleotide variant.
Coding change: c.7157G>T on transcript NM_199420.4 (MANE Select); coding-DNA position 7157, G replaced by T.
Protein change: p.Cys2386Phe; replaces cysteine 2386 with phenylalanine.
Molecular consequence: missense variant.
Genome position (GRCh38, 1-based): chr3:121,449,422, C>A on the plus strand (G>T on the coding strand, the complement: POLQ is on the minus strand). VCF-style: chr3-121449422-C-A. GRCh37 (hg19) VCF-style: chr3-121168269-C-A.
Other names: short protein forms C2386F.
Identifiers: ClinVar variation 3422622 (VCV003422622.1).

ClinVar aggregate classification (germline): Uncertain significance (1 of 4 stars; one submission).

Submission:

Ambry Genetics
Classification: Uncertain significance. Last evaluated: 2024-10-27. Review status: criteria provided, single submitter. Criteria: Ambry Variant Classification Scheme 2023. Collection method: clinical testing. Allele origin: germline.
Comment: The p.C2386F variant (also known as c.7157G>T), located in coding exon 26 of the POLQ gene, results from a G to T substitution at nucleotide position 7157. The cysteine at codon 2386 is replaced by phenylalanine, an amino acid with highly dissimilar properties. This amino acid position is conserved. In addition, this alteration is predicted to be deleterious by in silico analysis. Based on the available evidence, the clinical significance of this variant remains unclear.